The following is an entry in ClinVar:

ClinVar aggregate classification (germline): Likely pathogenic (1 of 4 stars; one submission).

Conditions:
FLT4-related disorder. Also called: FLT4-related condition.

Submission:

PreventionGenetics, part of Exact Sciences
Classification: Likely pathogenic for FLT4-related condition. Last evaluated: 2022-12-01. Review status: criteria provided, single submitter. Criteria: ACMG Guidelines, 2015. Collection method: clinical testing. Allele origin: germline.
Comment: The FLT4 c.3827G>A variant is predicted to result in the amino acid substitution p.Gly1276Glu. To our knowledge, this variant has not been reported in the literature or in a large population database, indicating this variant is rare. However, a different missense variant affecting this amino acid (p.Gly1276Val) has been reported in an individual with primary congenital chylothorax (Table S3 - Schneider et al. 2022. PubMed ID: 34994518) and a de novo missense variant at an adjacent amino acid (p.Ser1275Gly) has been reported in a fetus with hydrops and chylothorax (Vora et al. 2020. PubMed ID: 31974414). This variant is interpreted as likely pathogenic.

NM_182925.5(FLT4):c.3827G>A (p.Gly1276Glu)

Gene: FLT4 (fms related receptor tyrosine kinase 4; minus strand). Cytogenetic location: 5q35.3.
Variant type: single nucleotide variant.
Coding change: c.3827G>A on transcript NM_182925.5 (MANE Select); coding-DNA position 3827, G replaced by A.
Protein change: p.Gly1276Glu; replaces glycine 1276 with glutamic acid.
Molecular consequence: missense variant.
Genome position (GRCh38, 1-based): chr5:180,609,034, C>T on the plus strand (G>A on the coding strand, the complement: FLT4 is on the minus strand). VCF-style: chr5-180609034-C-T. GRCh37 (hg19) VCF-style: chr5-180036034-C-T.
Other names: c.3827G>A, p.Gly1276Glu (NM_001354989.2, NM_002020.5); short protein forms G1276E.
Identifiers: ClinVar variation 2635102 (VCV002635102.2), dbSNP rs2127787560, ClinGen allele CA362497810.